The following is an entry in ClinVar:

ClinVar aggregate classification (germline): Benign (1 of 4 stars; one submission).

Conditions:
Hereditary angioedema type 1 (HAE1). Identifiers: Orphanet 100050, Orphanet 100051, Orphanet 91378, MedGen C2717906, MONDO:0015053, OMIM 106100.

Allele frequency attached by ClinVar (database versions not stated): 1000 Genomes Project 30x 0.00078; ExAC 0.00090; 1000 Genomes Project 0.00100; gnomAD 0.00153 and 0.00155; TOPMed 0.00157.
gnomAD v4.1: 1,171 of 671,226 alleles (0.17%); highest among the groups gnomAD compares: Non-Finnish European, 0.27%; 6 homozygotes.

Submission:

CeMIA
Classification: Benign for Hereditary angioedema type 1. Review status: criteria provided, single submitter. Criteria: ACMG Guidelines, 2015. Collection method: clinical testing. Allele origin: germline. Affected: yes.
Comment: This variant is considered likely benign or benign based on one or more of the following criteria: allele frequency is >5% in Exome Sequencing Project, 1000 Genomes Project, or Exome Aggregation Consortium (BA1), allele frequency is greater than expected for disorder (BS1), it is observed in a healthy adult individual (BS2), it is predicted to be benign by multiple in silico algorithms (BP4), it is found in a case with an alternate molecular basis for the disease (BP5) and/or reputable source recently reports variant as benign (BP6).

Literature cited by the submitters: PubMed 31959500.

NM_000062.3(SERPING1):c.1029+260G>A

Gene: SERPING1 (serpin family G member 1; plus strand). Cytogenetic location: 11q12.1.
Variant type: single nucleotide variant.
Coding change: c.1029+260G>A on transcript NM_000062.3 (MANE Select); 260 bases into the intron after coding-DNA position 1029, G replaced by A.
Molecular consequence: intron variant.
Genome position (GRCh38, 1-based): chr11:57,606,807, G>A. VCF-style: chr11-57606807-G-A. GRCh37 (hg19) VCF-style: chr11-57374280-G-A.
Other names: c.1029+260G>A (NM_001032295.2).
Identifiers: ClinVar variation 983253 (VCV000983253.2), dbSNP rs191053716, ClinGen allele CA6008204.